The following is an entry in ClinVar:

NM_004204.5(PIGQ):c.928G>A (p.Val310Ile)

Gene: PIGQ (phosphatidylinositol glycan anchor biosynthesis class Q; plus strand). Cytogenetic location: 16p13.3.
Variant type: single nucleotide variant.
Coding change: c.928G>A on transcript NM_004204.5 (MANE Select); coding-DNA position 928, G replaced by A.
Protein change: p.Val310Ile; replaces valine 310 with isoleucine.
Molecular consequence: missense variant.
Genome position (GRCh38, 1-based): chr16:576,240, G>A. VCF-style: chr16-576240-G-A. GRCh37 (hg19) VCF-style: chr16-626240-G-A.
Other names: c.928G>A, p.Val310Ile (NM_148920.4); c.928G>A (NM_148920.1); short protein forms V310I.
Identifiers: ClinVar variation 1036466 (VCV001036466.4), dbSNP rs137907943, ClinGen allele CA7780029.

ClinVar aggregate classification (germline): Conflicting classifications of pathogenicity. Review status: criteria provided, conflicting classifications (1 of 4 stars). 2 submissions from 2 submitters: Uncertain significance (1); Likely benign (1). Last evaluated 2022-09-26.

Conditions:
Inborn genetic diseases. Identifiers: MedGen C0950123, MeSH D030342.
Epilepsy. Also called: Seizure disorder. Identifiers: MedGen C0014544, MeSH D004827, MONDO:0005027.

Allele frequency attached by ClinVar (database versions not stated): gnomAD exomes 0.00021 and 0.00009; ExAC 0.00005; TOPMed 0.00009; ESP Exome Variant Server 0.00016; gnomAD 0.00012.

Submissions (2):

Ambry Genetics
Classification: Likely benign for Inborn genetic diseases. Last evaluated: 2022-09-26. Review status: criteria provided, single submitter. Criteria: Ambry Variant Classification Scheme 2023. Collection method: clinical testing. Allele origin: germline.

Labcorp Genetics (formerly Invitae), Labcorp
Classification: Uncertain significance for Epilepsy. Last evaluated: 2022-08-22. Review status: criteria provided, single submitter. Criteria: Invitae Variant Classification Sherloc (09022015). Collection method: clinical testing. Allele origin: germline.
Comment: This sequence change replaces valine, which is neutral and non-polar, with isoleucine, which is neutral and non-polar, at codon 310 of the PIGQ protein (p.Val310Ile). This variant is present in population databases (rs137907943, gnomAD 0.02%). This variant has not been reported in the literature in individuals affected with PIGQ-related conditions. ClinVar contains an entry for this variant (Variation ID: 1036466). Algorithms developed to predict the effect of missense changes on protein structure and function output the following: SIFT: "Tolerated"; PolyPhen-2: "Benign"; Align-GVGD: "Class C0". The isoleucine amino acid residue is found in multiple mammalian species, which suggests that this missense change does not adversely affect protein function. In summary, the available evidence is currently insufficient to determine the role of this variant in disease. Therefore, it has been classified as a Variant of Uncertain Significance.